The following is an entry in ClinVar:

NM_203446.3(SYNJ1):c.*703C>T

Gene: SYNJ1 (synaptojanin 1; minus strand). Cytogenetic location: 21q22.11.
Variant type: single nucleotide variant.
Coding change: c.*703C>T on transcript NM_203446.3 (MANE Select); 703 bases downstream of the stop codon, C replaced by T.
Molecular consequence: 3 prime UTR variant. On other transcripts: missense variant (2).
Genome position (GRCh38, 1-based): chr21:32,631,102, G>A on the plus strand (C>T on the coding strand, the complement: SYNJ1 is on the minus strand). VCF-style: chr21-32631102-G-A. GRCh37 (hg19) VCF-style: chr21-34003412-G-A.
Other names: c.*703C>T (NM_001160302.2); c.4474C>T, p.Pro1492Ser (NM_001160306.2); c.4732C>T, p.Pro1578Ser (NM_003895.4); short protein forms P1492S, P1578S.
Identifiers: ClinVar variation 1957447 (VCV001957447.5), dbSNP rs770812915, ClinGen allele CA10003061.

ClinVar aggregate classification (germline): Uncertain significance (1 of 4 stars; one submission).

Conditions:
Developmental and epileptic encephalopathy, 53. Also called: Epileptic encephalopathy, early infantile, 53. Identifiers: MedGen C4479313, MONDO:0033362, OMIM 617389.
Early-onset Parkinson disease 20. Also called: PARKINSON DISEASE 20, AUTOSOMAL RECESSIVE EARLY-ONSET. Identifiers: Orphanet 391411, MedGen C3809824, MONDO:0014233, OMIM 615530.

Allele frequency attached by ClinVar (database versions not stated): ExAC 0.00002.

Submission:

Labcorp Genetics (formerly Invitae), Labcorp
Classification: Uncertain significance for Developmental and epileptic encephalopathy, 53; Early-onset Parkinson disease 20. Last evaluated: 2022-02-08. Review status: criteria provided, single submitter. Criteria: Invitae Variant Classification Sherloc (09022015). Collection method: clinical testing. Allele origin: germline.
Comment: This sequence change replaces proline, which is neutral and non-polar, with serine, which is neutral and polar, at codon 1578 of the SYNJ1 protein (p.Pro1578Ser). In summary, the available evidence is currently insufficient to determine the role of this variant in disease. Therefore, it has been classified as a Variant of Uncertain Significance. Algorithms developed to predict the effect of missense changes on protein structure and function are either unavailable or do not agree on the potential impact of this missense change (SIFT: "Tolerated"; PolyPhen-2: "Probably Damaging"; Align-GVGD: "Class C0"). This variant has not been reported in the literature in individuals affected with SYNJ1-related conditions. This variant is present in population databases (rs770812915, gnomAD 0.006%).